The following is an entry in ClinVar:

NM_001330574.2(ZNF711):c.1368G>A (p.Met456Ile)

Gene: ZNF711 (ZFX family zinc finger ZNF711; plus strand). Cytogenetic location: Xq21.1.
Variant type: single nucleotide variant.
Coding change: c.1368G>A on transcript NM_001330574.2 (MANE Select); coding-DNA position 1368, G replaced by A.
Protein change: p.Met456Ile; replaces methionine 456 with isoleucine.
Molecular consequence: missense variant.
Genome position (GRCh38, 1-based): chrX:85,270,772, G>A. VCF-style: chrX-85270772-G-A. GRCh37 (hg19) VCF-style: chrX-84525778-G-A.
Other names: c.1230G>A, p.Met410Ile (NM_021998.5); short protein forms M410I, M456I.
Identifiers: ClinVar variation 368745 (VCV000368745.10), dbSNP rs200444579, ClinGen allele CA10464763.

ClinVar aggregate classification (germline): Benign/Likely benign. Review status: criteria provided, multiple submitters, no conflicts (2 of 4 stars). 4 submissions from 4 submitters: Benign (2); Likely benign (2). Last evaluated 2025-08-26.

Conditions:
Inborn genetic diseases. Identifiers: MedGen C0950123, MeSH D030342.
Intellectual developmental disorder, X-linked 97. Also called: Intellectual disability, X-linked 97. Identifiers: Orphanet 777, MedGen C2749020, MONDO:0010430, OMIM 300803.

Allele frequency attached by ClinVar (database versions not stated): gnomAD below 0.00001 and 0.00005; gnomAD exomes 0.00017 and 0.00006; ExAC 0.00030; 1000 Genomes Project 30x 0.00083; 1000 Genomes Project 0.00079; TOPMed 0.00004.
gnomAD v4.1: 67 of 1,201,684 alleles (0.0056%); highest among the groups gnomAD compares: South Asian, 0.081%; no homozygotes.

Submissions (4):

Labcorp Genetics (formerly Invitae), Labcorp
Classification: Benign. Last evaluated: 2025-08-26. Review status: criteria provided, single submitter. Criteria: Invitae Variant Classification Sherloc (09022015). Collection method: clinical testing. Allele origin: germline.

Ambry Genetics
Classification: Likely benign for Inborn genetic diseases. Last evaluated: 2023-11-06. Review status: criteria provided, single submitter. Criteria: Ambry Variant Classification Scheme 2023. Collection method: clinical testing. Allele origin: germline.

Genetic Services Laboratory, University of Chicago
Classification: Likely benign. Last evaluated: 2020-05-04. Review status: criteria provided, single submitter. Criteria: ACMG Guidelines, 2015. Collection method: clinical testing. Allele origin: germline. Affected: no.

Illumina Laboratory Services, Illumina
Classification: Benign for Intellectual developmental disorder, X-linked 97. Last evaluated: 2018-01-13. Review status: criteria provided, single submitter. Criteria: ICSL Variant Classification Criteria 13 December 2019. Collection method: clinical testing. Allele origin: germline.
Comment: This variant was observed in the ICSL laboratory as part of a predisposition screen in an ostensibly healthy population. It had not been previously curated by ICSL or reported in the Human Gene Mutation Database (HGMD: prior to June 1st, 2018), and was therefore a candidate for classification through an automated scoring system. Utilizing variant allele frequency, disease prevalence and penetrance estimates, and inheritance mode, an automated score was calculated to assess if this variant is too frequent to cause the disease. Based on the score and internal cut-off values, a variant classified as benign is not then subjected to further curation. The score for this variant resulted in a classification of benign for this disease.